The following is an entry in ClinVar:

ClinVar aggregate classification (germline): Benign (1 of 4 stars; one submission).

Allele frequency attached by ClinVar (database versions not stated): TOPMed 0.58055; gnomAD 0.58278; 1000 Genomes Project 0.62800; 1000 Genomes Project 30x 0.63007.
gnomAD v4.1: 87,671 of 151,978 alleles (58%); highest among the groups gnomAD compares: East Asian, 79%; 25,483 homozygotes.

Submission:

GeneDx
Classification: Benign. Last evaluated: 2018-06-14. Review status: criteria provided, single submitter. Criteria: GeneDx Variant Classification (06012015). Collection method: clinical testing. Allele origin: germline. Affected: yes.
Comment: This variant is considered likely benign or benign based on one or more of the following criteria: it is a conservative change, it occurs at a poorly conserved position in the protein, it is predicted to be benign by multiple in silico algorithms, and/or has population frequency not consistent with disease.

NM_203447.4(DOCK8):c.54-172T>C

Gene: DOCK8 (dedicator of cytokinesis 8; plus strand). Cytogenetic location: 9p24.3.
Variant type: single nucleotide variant.
Coding change: c.54-172T>C on transcript NM_203447.4 (MANE Select); 172 bases into the intron before coding-DNA position 54, T replaced by C.
Molecular consequence: intron variant.
Genome position (GRCh38, 1-based): chr9:271,455, T>C. VCF-style: chr9-271455-T-C. GRCh37 (hg19) VCF-style: chr9-271455-T-C.
Identifiers: ClinVar variation 673882 (VCV000673882.1), dbSNP rs682251, ClinGen allele CA12945883.